The following is an entry in ClinVar:

ClinVar aggregate classification (germline): Uncertain significance. Review status: criteria provided, multiple submitters, no conflicts (2 of 4 stars). 2 submissions from 2 submitters: Uncertain significance (2). Last evaluated 2023-05-31.

Conditions:
Hereditary cancer-predisposing syndrome. Also called: Hereditary Cancer Syndrome; Hereditary neoplastic syndrome; Neoplastic Syndromes, Hereditary; Tumor predisposition. Identifiers: Orphanet 140162, MedGen C0027672, MeSH D009386, MONDO:0015356.

gnomAD v4.1: 4 of 1,614,118 alleles (0.00025%); highest among the groups gnomAD compares: Non-Finnish European, 0.00017%; no homozygotes.

Submissions (2):

Ambry Genetics
Classification: Uncertain significance for Hereditary cancer-predisposing syndrome. Last evaluated: 2023-05-31. Review status: criteria provided, single submitter. Criteria: Ambry Variant Classification Scheme 2023. Collection method: clinical testing. Allele origin: germline.
Comment: The p.F1273V variant (also known as c.3817T>G), located in coding exon 25 of the RAD50 gene, results from a T to G substitution at nucleotide position 3817. The phenylalanine at codon 1273 is replaced by valine, an amino acid with highly similar properties. This amino acid position is highly conserved in available vertebrate species. In addition, this alteration is predicted to be deleterious by in silico analysis. Since supporting evidence is limited at this time, the clinical significance of this alteration remains unclear.

Labcorp Genetics (formerly Invitae), Labcorp
Classification: Uncertain significance for Hereditary cancer-predisposing syndrome. Last evaluated: 2022-08-23. Review status: criteria provided, single submitter. Criteria: Invitae Variant Classification Sherloc (09022015). Collection method: clinical testing. Allele origin: germline.
Comment: In summary, the available evidence is currently insufficient to determine the role of this variant in disease. Therefore, it has been classified as a Variant of Uncertain Significance. Algorithms developed to predict the effect of missense changes on protein structure and function are either unavailable or do not agree on the potential impact of this missense change (SIFT: "Deleterious"; PolyPhen-2: "Probably Damaging"; Align-GVGD: "Class C0"). ClinVar contains an entry for this variant (Variation ID: 1062978). This variant has not been reported in the literature in individuals affected with RAD50-related conditions. This variant is not present in population databases (gnomAD no frequency). This sequence change replaces phenylalanine, which is neutral and non-polar, with valine, which is neutral and non-polar, at codon 1273 of the RAD50 protein (p.Phe1273Val).

NM_005732.4(RAD50):c.3817T>G (p.Phe1273Val)

Genes: TH2LCRR (T helper type 2 locus control region associated RNA; minus strand), RAD50 (RAD50 double strand break repair protein; plus strand). Cytogenetic location: 5q31.1.
Variant type: single nucleotide variant.
Coding change: c.3817T>G on transcript NM_005732.4 (MANE Select); coding-DNA position 3817, T replaced by G.
Protein change: p.Phe1273Val; replaces phenylalanine 1273 with valine.
Molecular consequence: missense variant. On other transcripts: non-coding transcript variant (1).
Genome position (GRCh38, 1-based): chr5:132,642,242, T>G. VCF-style: chr5-132642242-T-G. GRCh37 (hg19) VCF-style: chr5-131977934-T-G.
Other names: short protein forms F1273V.
Identifiers: ClinVar variation 1062978 (VCV001062978.9), dbSNP rs2149866931, ClinGen allele CA360936604.
Genomic context (GRCh38, chr5:132,642,242, plus strand): 5'-ATAAAAAGTCGCTCACAGCAGCGTAACTTCCAGCTTCTGGTAATCACTCATGATGAAGAT[T>G]TTGTGGAGCTTTTAGGACGTTCTGAATATGTGGAGAAATTCTACAGGATTAAAAAGAACA-3'
Protein context (NP_005723.2, residues 1263-1283): QLLVITHDED[Phe1273Val]VELLGRSEYV